The following is an entry in ClinVar:

ClinVar aggregate classification (germline): Uncertain significance (1 of 4 stars; one submission).

Conditions:
Malignant hyperthermia, susceptibility to, 1 (MHS1). Also called: Anesthesia related hyperthermia; Malignant hyperpyrexia; Fulminating hyperpyrexia; Pharmacogenic myopathy; RYR1-Related Malignant Hyperthermia Susceptibility; Malignant hyperthermia suceptibility 1. Identifiers: Orphanet 423, MedGen C2930980, MONDO:0007783, OMIM 145600.

Submission:

All of Us Research Program, National Institutes of Health
Classification: Uncertain significance for Malignant hyperthermia, susceptibility to, 1. Last evaluated: 2024-09-23. Review status: criteria provided, single submitter. Criteria: ACMG Guidelines, 2015. Collection method: clinical testing. Allele origin: germline. Inheritance: Autosomal dominant inheritance. Observed: 1 variant allele, 1 heterozygote.
Comment: This study involves interpretation of variants in research participants for the purpose of population health screening. Participant phenotype was not available at the time of variant classification. Additional details can be found in publication PMID: 35346344, PMCID: PMC8962531

NM_000540.3(RYR1):c.5498C>T (p.Ser1833Phe)

Gene: RYR1 (ryanodine receptor 1; plus strand). Cytogenetic location: 19q13.2.
Variant type: single nucleotide variant.
Coding change: c.5498C>T on transcript NM_000540.3 (MANE Select); coding-DNA position 5498, C replaced by T.
Protein change: p.Ser1833Phe; replaces serine 1833 with phenylalanine.
Molecular consequence: missense variant.
Genome position (GRCh38, 1-based): chr19:38,486,153, C>T. VCF-style: chr19-38486153-C-T. GRCh37 (hg19) VCF-style: chr19-38976793-C-T.
Other names: c.5498C>T, p.Ser1833Phe (NM_001042723.2); short protein forms S1833F.
Identifiers: ClinVar variation 3387743 (VCV003387743.1).